The following is an entry in ClinVar:

NM_000392.5(ABCC2):c.672G>A (p.Glu224=)

Gene: ABCC2 (ATP binding cassette subfamily C member 2; plus strand). Cytogenetic location: 10q24.2.
Variant type: single nucleotide variant.
Coding change: c.672G>A on transcript NM_000392.5 (MANE Select); coding-DNA position 672, G replaced by A.
Protein change: p.Glu224=; no amino-acid change (glutamic acid 224 retained).
Molecular consequence: synonymous variant.
Genome position (GRCh38, 1-based): chr10:99,797,136, G>A. VCF-style: chr10-99797136-G-A. GRCh37 (hg19) VCF-style: chr10-101556893-G-A.
Other names: c.672G>A (NM_000392.4).
Identifiers: ClinVar variation 2797150 (VCV002797150.5), dbSNP rs1318195492, ClinGen allele CA471125471.

ClinVar aggregate classification (germline): Likely benign. Review status: criteria provided, single submitter (1 of 4 stars). 2 submissions from 2 submitters: Likely benign (1). 1 of the submissions does not count toward it. Last evaluated 2023-05-19.

Conditions:
ABCC2-related disorder. Also called: ABCC2-related condition.

Allele frequency attached by ClinVar (database versions not stated): gnomAD 0.00001; TOPMed 0.00001.
gnomAD v4.1: 2 of 1,614,032 alleles (0.00012%); highest among the groups gnomAD compares: Admixed American, 0.0033%; no homozygotes.

Submissions (2):

Labcorp Genetics (formerly Invitae), Labcorp
Classification: Likely benign. Last evaluated: 2023-05-19. Review status: criteria provided, single submitter. Criteria: Invitae Variant Classification Sherloc (09022015). Collection method: clinical testing. Allele origin: germline.

PreventionGenetics, part of Exact Sciences
Classification: Likely benign for ABCC2-related condition. Last evaluated: 2022-06-03. Review status: no assertion criteria provided. Collection method: clinical testing. Allele origin: germline. Not counted in ClinVar's aggregate classification.
Comment: This variant is classified as likely benign based on ACMG/AMP sequence variant interpretation guidelines (Richards et al. 2015 PMID: 25741868, with internal and published modifications).